The following is an entry in ClinVar:

NM_004646.4(NPHS1):c.1110T>C (p.Val370=)

Gene: NPHS1 (NPHS1 adhesion molecule, nephrin; minus strand). Cytogenetic location: 19q13.12.
Variant type: single nucleotide variant.
Coding change: c.1110T>C on transcript NM_004646.4 (MANE Select); coding-DNA position 1110, T replaced by C.
Protein change: p.Val370=; no amino-acid change (valine 370 retained).
Molecular consequence: synonymous variant.
Genome position (GRCh38, 1-based): chr19:35,848,697, A>G on the plus strand (T>C on the coding strand, the complement: NPHS1 is on the minus strand). VCF-style: chr19-35848697-A-G. GRCh37 (hg19) VCF-style: chr19-36339599-A-G.
Identifiers: ClinVar variation 328872 (VCV000328872.27), dbSNP rs116459838, ClinGen allele CA9390547.

ClinVar aggregate classification (germline): Conflicting classifications of pathogenicity. Review status: criteria provided, conflicting classifications (1 of 4 stars). 6 submissions from 6 submitters: Uncertain significance (1); Benign (1); Likely benign (3). 1 of the submissions does not count toward it. Last evaluated 2026-08-01.

Conditions:
Finnish congenital nephrotic syndrome (NPHS1). Also called: NEPHROTIC SYNDROME, TYPE 1. Identifiers: Orphanet 839, MedGen C0403399, MONDO:0009732, OMIM 256300.
Focal segmental glomerulosclerosis (FSGS). Also called: Glomerulosclerosis, focal; Focal sclerosis with hyalinosis. Identifiers: MedGen C0017668, MONDO:0100313, HP:0000097. Disease mechanism: loss of function.
Congenital nephrotic syndrome. Also called: Familial nephrotic syndrome. Identifiers: MedGen C3501848, MeSH C535761, MONDO:0002350, HP:0008677.

Allele frequency attached by ClinVar (database versions not stated): gnomAD exomes 0.00051 and 0.00111; ExAC 0.00141; 1000 Genomes Project 0.00280; 1000 Genomes Project 30x 0.00281; gnomAD 0.00367 and 0.00394; TOPMed 0.00419; ESP Exome Variant Server 0.00431.
gnomAD v4.1: 1,325 of 1,614,140 alleles (0.082%); highest among the groups gnomAD compares: African/African-American, 1.4%; 7 homozygotes.

Submissions (6):

CeGaT Center for Human Genetics Tuebingen
Classification: Likely benign. Last evaluated: 2026-08-01. Review status: criteria provided, single submitter. Criteria: CeGaT Center For Human Genetics Tuebingen Variant Classification Criteria Version 2. Collection method: clinical testing. Allele origin: germline. Affected: yes. Observed: 2 variant alleles.
Comment: NPHS1: BP4, BP7, BS1

Labcorp Genetics (formerly Invitae), Labcorp
Classification: Benign. Last evaluated: 2026-01-28. Review status: criteria provided, single submitter. Criteria: Invitae Variant Classification Sherloc (09022015). Collection method: clinical testing. Allele origin: germline.

GeneDx
Classification: Likely benign. Last evaluated: 2020-12-01. Review status: criteria provided, single submitter. Criteria: GeneDx Variant Classification Process June 2021. Collection method: clinical testing. Allele origin: germline. Affected: yes.

Genome Diagnostics Laboratory, The Hospital for Sick Children
Classification: Likely benign for Focal segmental glomerulosclerosis. Last evaluated: 2020-11-18. Review status: criteria provided, single submitter. Criteria: ACMG Guidelines, 2015. Collection method: clinical testing. Allele origin: germline.

Illumina Laboratory Services, Illumina
Classification: Uncertain significance for Congenital nephrotic syndrome. Last evaluated: 2018-01-13. Review status: criteria provided, single submitter. Criteria: ICSL Variant Classification Criteria 13 December 2019. Collection method: clinical testing. Allele origin: germline.

Natera, Inc.
Classification: Benign for Finnish congenital nephrotic syndrome. Last evaluated: 2019-09-09. Review status: no assertion criteria provided. Collection method: clinical testing. Allele origin: germline. Not counted in ClinVar's aggregate classification.